The following is an entry in ClinVar:

ClinVar aggregate classification (germline): Likely benign. Review status: criteria provided, multiple submitters, no conflicts (2 of 4 stars). 2 submissions from 2 submitters: Likely benign (2). Last evaluated 2026-02-01.

Submissions (2):

CeGaT Center for Human Genetics Tuebingen
Classification: Likely benign. Last evaluated: 2026-02-01. Review status: criteria provided, single submitter. Criteria: CeGaT Center For Human Genetics Tuebingen Variant Classification Criteria Version 2. Collection method: clinical testing. Allele origin: germline. Affected: yes. Observed: 1 variant allele.
Comment: HTT: BS2

Blueprint Genetics
Classification: Likely benign. Last evaluated: 2024-11-26. Review status: criteria provided, single submitter. Criteria: ACMG Guidelines, 2015. Collection method: clinical testing. Allele origin: germline.

NM_001388492.1(HTT):c.201GCCCCCGCCGCC[1] (p.Pro73_Pro76del)

Gene: HTT (huntingtin; plus strand). Cytogenetic location: 4p16.3.
Variant type: Microsatellite.
Coding change: c.201GCCCCCGCCGCC[1] on transcript NM_001388492.1 (MANE Select); one copy of the 12-base unit GCCCCCGCCGCC starting at c.201; the reference has two copies in a row; one copy, 12 bases deleted.
Protein change: p.Pro73_Pro76del.
Molecular consequence: inframe deletion.
Genome position (GRCh38, 1-based): chr4:3,075,038-3,075,049, GCCCCCGCCGCC deleted; deleting any 12 consecutive bases within chr4:3,075,023-3,075,049 gives the same sequence; the position shown is the placement nearest the transcript's 3' end. VCF-style (leftmost placement, unchanged base first): chr4-3075022-AGCCGCCCCCGCC-A. GRCh37 (hg19) VCF-style: chr4-3076749-AGCCGCCCCCGCC-A.
Other names: c.207GCCCCCGCCGCC[1], p.Pro75_Pro78del (NM_002111.8).
Identifiers: ClinVar variation 4820938 (VCV004820938.5).